The following is an entry in ClinVar:

NM_006393.3(NEBL):c.2519-1G>A

Gene: NEBL (nebulette; minus strand). Cytogenetic location: 10p12.31.
Variant type: single nucleotide variant.
Coding change: c.2519-1G>A on transcript NM_006393.3 (MANE Select); the canonical splice acceptor site of the intron before coding-DNA position 2519, G replaced by A.
Molecular consequence: splice acceptor variant. On other transcripts: intron variant (8).
Genome position (GRCh38, 1-based): chr10:20,809,899, C>T on the plus strand (G>A on the coding strand, the complement: NEBL is on the minus strand). VCF-style: chr10-20809899-C-T. GRCh37 (hg19) VCF-style: chr10-21098828-C-T.
Other names: c.421+2870G>A (NM_001377326.1, NM_001377327.1, NM_001377328.1); c.529+2870G>A (NM_213569.2, NM_001173484.2); c.530-1G>A (NM_001377322.1); c.472+2870G>A (NM_001377324.1); c.463+2870G>A (NM_001377325.1); c.481+2870G>A (NM_001377323.1).
Identifiers: ClinVar variation 2851363 (VCV002851363.3), dbSNP rs2491574613, ClinGen allele CA376093160.

ClinVar aggregate classification (germline): Uncertain significance (1 of 4 stars; one submission).

Conditions:
Primary dilated cardiomyopathy (DCM). Also called: Dilated Cardiomyopathy. Identifiers: Orphanet 217604, MedGen C0007193, MeSH D002311, MONDO:0005021, HP:0001644. Inheritance: Various modes of inheritance.

Submission:

Labcorp Genetics (formerly Invitae), Labcorp
Classification: Uncertain significance for Primary dilated cardiomyopathy. Last evaluated: 2023-07-10. Review status: criteria provided, single submitter. Criteria: Invitae Variant Classification Sherloc (09022015). Collection method: clinical testing. Allele origin: germline.
Comment: This variant is not present in population databases (gnomAD no frequency). This variant has not been reported in the literature in individuals affected with NEBL-related conditions. Algorithms developed to predict the effect of sequence changes on RNA splicing suggest that this variant may disrupt the consensus splice site. In summary, the available evidence is currently insufficient to determine the role of this variant in disease. Therefore, it has been classified as a Variant of Uncertain Significance. This sequence change affects an acceptor splice site in intron 24 of the NEBL gene. It is expected to disrupt RNA splicing. Variants that disrupt the donor or acceptor splice site typically lead to a loss of protein function (PMID: 16199547), however the current clinical and genetic evidence is not sufficient to establish whether loss-of-function variants in NEBL cause disease.

Literature cited by the submitters: PubMed 16199547.